The following is an entry in ClinVar:

ClinVar aggregate classification (germline): Pathogenic/Likely pathogenic. Review status: criteria provided, multiple submitters, no conflicts (2 of 4 stars). 2 submissions from 2 submitters: Pathogenic (1); Likely pathogenic (1). Last evaluated 2023-10-03.

Conditions:
Retinitis pigmentosa 12 (RP12). Also called: RP WITH OR WITHOUT PPRPE; RP WITH OR WITHOUT PRESERVED PARAARTERIOLE RETINAL PIGMENT EPITHELIUM; RETINITIS PIGMENTOSA WITH OR WITHOUT PARAARTERIOLAR PRESERVATION OF RETINAL PIGMENT EPITHELIUM. Identifiers: Orphanet 791, MedGen C1838647, MONDO:0010818, OMIM 600105.
Leber congenital amaurosis 8 (LCA8). Identifiers: Orphanet 65, MedGen C3151202, MONDO:0013453, OMIM 613835.

Submissions (2):

Baylor Genetics
Classification: Likely pathogenic for Leber congenital amaurosis 8. Last evaluated: 2023-10-03. Review status: criteria provided, single submitter. Criteria: ACMG Guidelines, 2015. Collection method: clinical testing. Allele origin: unknown.

Labcorp Genetics (formerly Invitae), Labcorp
Classification: Pathogenic for Leber congenital amaurosis 8; Retinitis pigmentosa 12. Last evaluated: 2021-02-02. Review status: criteria provided, single submitter. Criteria: Invitae Variant Classification Sherloc (09022015). Collection method: clinical testing. Allele origin: germline.
Comment: This variant has not been reported in the literature in individuals with CRB1-related conditions. For these reasons, this variant has been classified as Pathogenic. This variant is not present in population databases (ExAC no frequency). This sequence change creates a premature translational stop signal (p.Glu189*) in the CRB1 gene. It is expected to result in an absent or disrupted protein product. Loss-of-function variants in CRB1 are known to be pathogenic (PMID: 10508521, 22065545, 23379534, 25412400, 26957898, 28041643, 29391521).

Literature cited by the submitters: PubMed 10508521 (cited by Labcorp Genetics (formerly Invitae), Labcorp); PubMed 22065545 (cited by Labcorp Genetics (formerly Invitae), Labcorp); PubMed 23379534 (cited by Labcorp Genetics (formerly Invitae), Labcorp); PubMed 25412400 (cited by Labcorp Genetics (formerly Invitae), Labcorp); PubMed 26957898 (cited by Labcorp Genetics (formerly Invitae), Labcorp); PubMed 28041643 (cited by Labcorp Genetics (formerly Invitae), Labcorp); PubMed 29391521 (cited by Labcorp Genetics (formerly Invitae), Labcorp).

NM_201253.3(CRB1):c.565G>T (p.Glu189Ter)

Gene: CRB1 (crumbs cell polarity complex component 1; plus strand). Cytogenetic location: 1q31.3.
Variant type: single nucleotide variant.
Coding change: c.565G>T on transcript NM_201253.3 (MANE Select); coding-DNA position 565, G replaced by T.
Protein change: p.Glu189Ter; replaces glutamic acid 189 with a stop codon.
Molecular consequence: nonsense. On other transcripts: non-coding transcript variant (2).
Genome position (GRCh38, 1-based): chr1:197,328,916, G>T. VCF-style: chr1-197328916-G-T. GRCh37 (hg19) VCF-style: chr1-197298046-G-T.
Other names: c.565G>T, p.Glu189Ter (NM_001193640.2, NM_001257966.2); c.358G>T, p.Glu120Ter (NM_001257965.2); short protein forms E120*, E189*.
Identifiers: ClinVar variation 1398186 (VCV001398186.7), dbSNP rs1658692554, ClinGen allele CA344081566.